The following is an entry in ClinVar:

NM_001323289.2(CDKL5):c.126_128del (p.Lys43del)

Gene: CDKL5 (cyclin dependent kinase like 5; plus strand). Cytogenetic location: Xp22.13.
Variant type: Deletion.
Coding change: c.126_128del on transcript NM_001323289.2 (MANE Select); coding-DNA positions 126 to 128, 3 bases deleted (GAA; older notation c.126_128delGAA).
Protein change: p.Lys43del; deletes lysine 43.
Molecular consequence: inframe deletion.
Genome position (GRCh38, 1-based): chrX:18,564,503-18,564,505, GAA deleted; deleting any 3 consecutive bases within chrX:18,564,501-18,564,505 gives the same sequence; the c. name uses the placement nearest the transcript's 3' end. VCF-style (leftmost placement, unchanged base first): chrX-18564500-CAAG-C. GRCh37 (hg19) VCF-style: chrX-18582620-CAAG-C.
Other names: c.126_128del, p.Lys43del (NM_001037343.2, NM_003159.3); short protein forms K43del.
Identifiers: ClinVar variation 1311402 (VCV001311402.2), dbSNP rs2147132248, ClinGen allele CA2573055180.
Genomic context (GRCh38, chrX:18,564,500, plus strand): 5'-GGAGAATGACTTTCCTTCTGCTTCTTTTCCCTTGCAGGAAACACATGAAATTGTGGCGAT[CAAG>C]AAATTCAAGGACAGTGAAGGTAGATATATATATATATATATATATATCTGTATATATGTA-3'

ClinVar aggregate classification (germline): Uncertain significance (1 of 4 stars; one submission).

Submission:

GeneDx
Classification: Uncertain significance. Last evaluated: 2019-09-03. Review status: criteria provided, single submitter. Criteria: GeneDx Variant Classification Process June 2021. Collection method: clinical testing. Allele origin: germline. Affected: yes.
Comment: Not observed in large population cohorts (Lek et al., 2016); In-frame deletion of 1 amino acids in a non-repeat region; Has not been previously published as pathogenic or benign to our knowledge